The following is an entry in ClinVar:

NM_000183.3(HADHB):c.590_591delinsAA (p.Ser197Ter)

Gene: HADHB (hydroxyacyl-CoA dehydrogenase trifunctional multienzyme complex subunit beta; plus strand). Cytogenetic location: 2p23.3.
Variant type: Indel.
Coding change: c.590_591delinsAA on transcript NM_000183.3 (MANE Select); coding-DNA positions 590 to 591, CT replaced by AA.
Protein change: p.Ser197Ter; replaces serine 197 with a stop codon.
Molecular consequence: nonsense.
Genome position (GRCh38, 1-based): chr2:26,278,761-26,278,762, CT replaced by AA. VCF-style: chr2-26278761-CT-AA. GRCh37 (hg19) VCF-style: chr2-26501629-CT-AA.
Other names: c.545_546delinsAA, p.Ser182Ter (NM_001281512.2); c.524_525delinsAA, p.Ser175Ter (NM_001281513.2); short protein forms S182*, S197*, S175*.
Identifiers: ClinVar variation 1961325 (VCV001961325.5), dbSNP rs2465718614, ClinGen allele CA2580066153.

ClinVar aggregate classification (germline): Pathogenic (1 of 4 stars; one submission).

Conditions:
Mitochondrial trifunctional protein deficiency. Identifiers: Orphanet 746, MedGen C1969443, MONDO:0012172.

Submission:

Labcorp Genetics (formerly Invitae), Labcorp
Classification: Pathogenic for Mitochondrial trifunctional protein deficiency. Last evaluated: 2022-07-13. Review status: criteria provided, single submitter. Criteria: Invitae Variant Classification Sherloc (09022015). Collection method: clinical testing. Allele origin: germline.
Comment: For these reasons, this variant has been classified as Pathogenic. This sequence change creates a premature translational stop signal (p.Ser197*) in the HADHB gene. It is expected to result in an absent or disrupted protein product. Loss-of-function variants in HADHB are known to be pathogenic (PMID: 9259266, 12754706). This variant has not been reported in the literature in individuals affected with HADHB-related conditions. Information on the frequency of this variant in the gnomAD database is not available, as this variant may be reported differently in the database.

Literature cited by the submitters: PubMed 9259266; PubMed 12754706.